The following is an entry in ClinVar:

NM_004369.4(COL6A3):c.3598G>T (p.Val1200Phe)

Gene: COL6A3 (collagen type VI alpha 3 chain; minus strand). Cytogenetic location: 2q37.3.
Variant type: single nucleotide variant.
Coding change: c.3598G>T on transcript NM_004369.4 (MANE Select); coding-DNA position 3598, G replaced by T.
Protein change: p.Val1200Phe; replaces valine 1200 with phenylalanine.
Molecular consequence: missense variant.
Genome position (GRCh38, 1-based): chr2:237,374,493, C>A on the plus strand (G>T on the coding strand, the complement: COL6A3 is on the minus strand). VCF-style: chr2-237374493-C-A. GRCh37 (hg19) VCF-style: chr2-238283136-C-A.
Other names: c.2377G>T, p.Val793Phe (NM_057164.5); c.2980G>T, p.Val994Phe (NM_057165.5, NM_057167.4); c.1777G>T, p.Val593Phe (NM_057166.5); short protein forms V1200F, V793F, V994F, V593F.
Identifiers: ClinVar variation 451448 (VCV000451448.13), dbSNP rs779028054, ClinGen allele CA2189136.

ClinVar aggregate classification (germline): Conflicting classifications of pathogenicity. Review status: criteria provided, conflicting classifications (1 of 4 stars). 4 submissions from 4 submitters: Uncertain significance (3); Likely benign (1). Last evaluated 2026-03-27.

Conditions:
COL6A3-related disorder. Also called: COL6A3-related disorders; COL6A3-related condition.
Bethlem myopathy 1A. Also called: MYOPATHY, BENIGN CONGENITAL, WITH CONTRACTURES; Bethlem myopathy 1; Bethlem Muscular Dystrophy. Identifiers: Orphanet 610, MedGen CN029274, MONDO:0024530, OMIM 158810.

Allele frequency attached by ClinVar (database versions not stated): ExAC 0.00001; gnomAD 0.00007; TOPMed 0.00008.
gnomAD v4.1: 26 of 1,614,002 alleles (0.0016%); highest among the groups gnomAD compares: Admixed American, 0.012%; no homozygotes.

Submissions (4):

PreventionGenetics, part of Exact Sciences
Classification: Uncertain significance for COL6A3-related condition. Last evaluated: 2026-03-27. Review status: criteria provided, single submitter. Criteria: ACMG Guidelines, 2015. Collection method: clinical testing. Allele origin: germline.
Comment: The COL6A3 c.3598G>T variant is predicted to result in the amino acid substitution p.Val1200Phe. To our knowledge, this variant has not been reported in the literature. This variant is reported in 0.0039% of alleles in individuals of European (non-Finnish) descent in gnomAD. At this time, the clinical significance of this variant is uncertain due to the absence of conclusive functional and genetic evidence.

Labcorp Genetics (formerly Invitae), Labcorp
Classification: Likely benign for Bethlem myopathy 1A. Last evaluated: 2025-10-10. Review status: criteria provided, single submitter. Criteria: Invitae Variant Classification Sherloc (09022015). Collection method: clinical testing. Allele origin: germline.

Revvity Omics, Revvity
Classification: Uncertain significance. Last evaluated: 2020-09-30. Review status: criteria provided, single submitter. Criteria: ACMG Guidelines, 2015. Collection method: clinical testing. Allele origin: germline.

GeneDx
Classification: Uncertain significance. Last evaluated: 2017-08-17. Review status: criteria provided, single submitter. Criteria: GeneDx Variant Classification (06012015). Collection method: clinical testing. Allele origin: germline. Affected: yes.
Comment: The V1200F variant has not been published as a pathogenic variant, nor has it been reported as a benign variant to our knowledge. The V1200F variant is not observed at a significant frequency in large population cohorts (Lek et al., 2016; 1000 Genomes Consortium et al., 2015; Exome Variant Server). This variant is a semi-conservative amino acid substitution, which may impact secondary protein structure as these residues differ in some properties. However, this substitution occurs at a position that is not conserved, and in silico analysis is inconsistent in its predictions as to whether or not the variant is damaging to the protein structure/function.